The following is an entry in ClinVar:

NM_000548.5(TSC2):c.281C>G (p.Pro94Arg)

Gene: TSC2 (TSC complex subunit 2; plus strand). Cytogenetic location: 16p13.3.
Variant type: single nucleotide variant.
Coding change: c.281C>G on transcript NM_000548.5 (MANE Select); coding-DNA position 281, C replaced by G.
Protein change: p.Pro94Arg; replaces proline 94 with arginine.
Molecular consequence: missense variant. On other transcripts: intron variant (2).
Genome position (GRCh38, 1-based): chr16:2,053,397, C>G. VCF-style: chr16-2053397-C-G. GRCh37 (hg19) VCF-style: chr16-2103398-C-G.
Other names: c.281C>G, p.Pro94Arg (NM_001077183.3, NM_001406668.1, NM_001406671.1 and 10 more transcripts); c.134C>G, p.Pro45Arg (NM_001406675.1, NM_001406676.1, NM_001406677.1 and 2 more transcripts); c.-536C>G (NM_001406680.1, NM_001406683.1, NM_001406687.1); c.-165C>G (NM_001406681.1); c.-1151C>G (NM_001406689.1, NM_001406690.1, NM_001406691.1 and 2 more transcripts); c.-1457C>G (NM_001406693.1); c.-1032C>G (NM_001406694.1, NM_001406695.1); c.-1139C>G (NM_001406696.1); and 4 more; short protein forms P105R, P45R, P94R.
Identifiers: ClinVar variation 2125891 (VCV002125891.4), dbSNP rs200045926, ClinGen allele CA394305726.

ClinVar aggregate classification (germline): Uncertain significance (1 of 4 stars; one submission).

Conditions:
Tuberous sclerosis 2 (TSC2). Identifiers: Orphanet 805, MedGen C1860707, MONDO:0013199, OMIM 613254.

Submission:

Labcorp Genetics (formerly Invitae), Labcorp
Classification: Uncertain significance for Tuberous sclerosis 2. Last evaluated: 2022-04-13. Review status: criteria provided, single submitter. Criteria: Invitae Variant Classification Sherloc (09022015). Collection method: clinical testing. Allele origin: germline.
Comment: In summary, the available evidence is currently insufficient to determine the role of this variant in disease. Therefore, it has been classified as a Variant of Uncertain Significance. Advanced modeling of protein sequence and biophysical properties (such as structural, functional, and spatial information, amino acid conservation, physicochemical variation, residue mobility, and thermodynamic stability) performed at Invitae indicates that this missense variant is not expected to disrupt TSC2 protein function. This variant has not been reported in the literature in individuals affected with TSC2-related conditions. This variant is not present in population databases (gnomAD no frequency). This sequence change replaces proline, which is neutral and non-polar, with arginine, which is basic and polar, at codon 94 of the TSC2 protein (p.Pro94Arg).